The following is an entry in ClinVar:

ClinVar aggregate classification (germline): Uncertain significance. Review status: criteria provided, multiple submitters, no conflicts (2 of 4 stars). 2 submissions from 2 submitters: Uncertain significance (2). Last evaluated 2026-07-08.

Conditions:
Familial thoracic aortic aneurysm and aortic dissection (TAAD). Also called: Thoracic aortic aneurysms and dissections. Identifiers: Orphanet 91387, MedGen C4707243, MONDO:0019625.
Marfan syndrome (MFS). Also called: Marfan syndrome type 1; Marfan's syndrome; MARFAN SYNDROME, TYPE I; FBN1-Related Marfan Syndrome; Marfan syndrome, classic. Identifiers: Orphanet 284963, Orphanet 558, MedGen C0024796, MONDO:0007947, OMIM 154700.

Allele frequency attached by ClinVar (database versions not stated): gnomAD exomes 0.00001; TOPMed 0.00001; gnomAD 0.00003.
gnomAD v4.1: 9 of 1,613,186 alleles (0.00056%); highest among the groups gnomAD compares: Non-Finnish European, 0.00076%; no homozygotes.

Submissions (2):

Ambry Genetics
Classification: Uncertain significance for Familial thoracic aortic aneurysm and aortic dissection. Last evaluated: 2026-07-08. Review status: criteria provided, single submitter. Criteria: Ambry Variant Classification Scheme 2023. Collection method: clinical testing. Allele origin: germline.
Comment: The c.7680G>T (p.Q2560H) alteration is located in exon 62 (coding exon 61) of the FBN1 gene. This alteration results from a G to T substitution at nucleotide position 7680, causing the glutamine (Q) at amino acid position 2560 to be replaced by a histidine (H). Based on data from gnomAD, the T allele has an overall frequency of 0.003% (1/31400) total alleles studied. The highest observed frequency was 0.007% (1/15428) of European (non-Finnish) alleles. Based on insufficient or conflicting evidence, the clinical significance of this alteration remains unclear.

Labcorp Genetics (formerly Invitae), Labcorp
Classification: Uncertain significance for Marfan syndrome; Familial thoracic aortic aneurysm and aortic dissection. Last evaluated: 2018-07-03. Review status: criteria provided, single submitter. Criteria: Invitae Variant Classification Sherloc (09022015). Collection method: clinical testing. Allele origin: germline.
Comment: In summary, the available evidence is currently insufficient to determine the role of this variant in disease. Therefore, it has been classified as a Variant of Uncertain Significance. Algorithms developed to predict the effect of missense changes on protein structure and function are either unavailable or do not agree on the potential impact of this missense change (SIFT: "Deleterious"; PolyPhen-2: "Probably Damaging"; Align-GVGD: "Class C0"). This variant has not been reported in the literature in individuals with FBN1-related disease. This variant is not present in population databases (ExAC no frequency). This sequence change replaces glutamine with histidine at codon 2560 of the FBN1 protein (p.Gln2560His). The glutamine residue is moderately conserved and there is a small physicochemical difference between glutamine and histidine.

NM_000138.5(FBN1):c.7680G>T (p.Gln2560His)

Gene: FBN1 (fibrillin 1; minus strand). Cytogenetic location: 15q21.1.
Variant type: single nucleotide variant.
Coding change: c.7680G>T on transcript NM_000138.5 (MANE Select); coding-DNA position 7680, G replaced by T.
Protein change: p.Gln2560His; replaces glutamine 2560 with histidine.
Molecular consequence: missense variant.
Genome position (GRCh38, 1-based): chr15:48,421,577, C>A on the plus strand (G>T on the coding strand, the complement: FBN1 is on the minus strand). VCF-style: chr15-48421577-C-A. GRCh37 (hg19) VCF-style: chr15-48713774-C-A.
Other names: short protein forms Q2560H.
Identifiers: ClinVar variation 656559 (VCV000656559.9), dbSNP rs780206348, ClinGen allele CA392324987.